The following is an entry in ClinVar:

ClinVar aggregate classification (germline): Conflicting classifications of pathogenicity. Review status: criteria provided, conflicting classifications (1 of 4 stars). 13 submissions from 13 submitters: Uncertain significance (1); Benign (2); Likely benign (7). 3 of the submissions do not count toward it. Last evaluated 2026-04-01.

Conditions:
Cardiovascular phenotype. Identifiers: MedGen CN230736.
Dilated cardiomyopathy 1G (CMD1G). Identifiers: Orphanet 154, MedGen C1858763, MONDO:0011400, OMIM 604145.
Autosomal recessive limb-girdle muscular dystrophy type 2J (LGMDR10). Also called: MUSCULAR DYSTROPHY, LIMB-GIRDLE, AUTOSOMAL RECESSIVE 10; Limb-girdle muscular dystrophy, type 2J. Identifiers: Orphanet 140922, MedGen C1837342, MONDO:0012127, OMIM 608807.
Cardiomyopathy (CMYO). Also called: Cardiomyopathies. Identifiers: Orphanet 167848, MedGen C0878544, MONDO:0004994, HP:0001638. Inheritance: Various modes of inheritance.

Allele frequency attached by ClinVar (database versions not stated): ExAC 0.00007; gnomAD exomes 0.00002 and 0.00008; gnomAD 0.00003 and 0.00002; 1000 Genomes Project 0.00020; TOPMed 0.00008; 1000 Genomes Project 30x 0.00016.
gnomAD v4.1: 61 of 1,613,268 alleles (0.0038%); highest among the groups gnomAD compares: East Asian, 0.04%; 1 homozygote.

Submissions (13):

CeGaT Center for Human Genetics Tuebingen
Classification: Likely benign. Last evaluated: 2026-04-01. Review status: criteria provided, single submitter. Criteria: CeGaT Center For Human Genetics Tuebingen Variant Classification Criteria Version 2. Collection method: clinical testing. Allele origin: germline. Affected: yes. Observed: 2 variant alleles.
Comment: TTN: BP4, BP7

Labcorp Genetics (formerly Invitae), Labcorp
Classification: Likely benign for Dilated cardiomyopathy 1G; Autosomal recessive limb-girdle muscular dystrophy type 2J. Last evaluated: 2026-02-03. Review status: criteria provided, single submitter. Criteria: Invitae Variant Classification Sherloc (09022015). Collection method: clinical testing. Allele origin: germline.

Blueprint Genetics
Classification: Likely benign. Last evaluated: 2024-02-29. Review status: criteria provided, single submitter. Criteria: ACMG Guidelines, 2015. Collection method: clinical testing. Allele origin: germline.

Athena Diagnostics
Classification: Benign. Last evaluated: 2024-01-11. Review status: criteria provided, single submitter. Criteria: Athena Diagnostics Criteria. Collection method: clinical testing. Allele origin: unknown.

Women's Health and Genetics/Laboratory Corporation of America, LabCorp
Classification: Likely benign. Last evaluated: 2023-08-08. Review status: criteria provided, single submitter. Criteria: LabCorp Variant Classification Summary - May 2015. Collection method: clinical testing. Allele origin: germline.

GeneDx
Classification: Likely benign. Last evaluated: 2018-08-02. Review status: criteria provided, single submitter. Criteria: GeneDx Variant Classification Process June 2021. Collection method: clinical testing. Allele origin: germline. Affected: yes.

Ambry Genetics
Classification: Likely benign for Cardiovascular phenotype. Last evaluated: 2017-12-11. Review status: criteria provided, single submitter. Criteria: Ambry Variant Classification Scheme 2023. Collection method: clinical testing. Allele origin: germline.

CHEO Genetics Diagnostic Laboratory, Children's Hospital of Eastern Ontario
Classification: Benign for Cardiomyopathy. Last evaluated: 2017-10-31. Review status: criteria provided, single submitter. Criteria: ACMG Guidelines, 2015. Collection method: clinical testing. Allele origin: germline.

Laboratory for Molecular Medicine, Mass General Brigham Personalized Medicine
Classification: Likely benign. Last evaluated: 2015-03-12. Review status: criteria provided, single submitter. Criteria: LMM Criteria. Collection method: clinical testing. Allele origin: germline. Observed: 1 variant allele.
Comment: p.Ala18878Ala in exon 257 of TTN: This variant is not expected to have clinical significance because it does not alter an amino acid residue and is not located within the splice consensus sequence. It has been identified in 4/8526 East Asia n chromosomes by the Exome Aggregation Consortium (ExAC; dbSNP rs371514555).

Eurofins Ntd Llc (ga)
Classification: Uncertain significance. Last evaluated: 2015-02-13. Review status: criteria provided, single submitter. Criteria: EGL Classification Definitions 2015. Collection method: clinical testing. Allele origin: germline. Observed: 6 variant alleles, 6 heterozygotes.

Clinical Genetics DNA and cytogenetics Diagnostics Lab, Erasmus MC, Erasmus Medical Center
Classification: Likely benign. Review status: no assertion criteria provided. Collection method: clinical testing. Allele origin: germline. Affected: yes. Study: VKGL Data-share Consensus. Not counted in ClinVar's aggregate classification.

Clinical Genetics, Academic Medical Center
Classification: Benign. Review status: no assertion criteria provided. Collection method: clinical testing. Allele origin: germline. Affected: yes. Study: VKGL Data-share Consensus. Not counted in ClinVar's aggregate classification.

Joint Genome Diagnostic Labs from Nijmegen and Maastricht, Radboudumc and MUMC+
Classification: Benign. Review status: no assertion criteria provided. Collection method: clinical testing. Allele origin: germline. Affected: yes. Study: VKGL Data-share Consensus. Not counted in ClinVar's aggregate classification.

NM_001267550.2(TTN):c.64338T>C (p.Ala21446=)

Genes: TTN (titin; minus strand), TTN-AS1 (TTN antisense RNA 1; plus strand). Cytogenetic location: 2q31.2.
Variant type: single nucleotide variant.
Coding change: c.64338T>C on transcript NM_001267550.2 (MANE Select); coding-DNA position 64338, T replaced by C.
Protein change: p.Ala21446=; no amino-acid change (alanine 21446 retained).
Molecular consequence: synonymous variant.
Genome position (GRCh38, 1-based): chr2:178,586,563, A>G on the plus strand (T>C on the coding strand, the complement: TTN is on the minus strand). VCF-style: chr2-178586563-A-G. GRCh37 (hg19) VCF-style: chr2-179451290-A-G.
Other names: p.A18878A:GCT>GCC; c.59415T>C, p.Ala19805= (NM_001256850.1); c.37143T>C, p.Ala12381= (NM_003319.4); c.56634T>C, p.Ala18878= (NM_133378.4); c.37518T>C, p.Ala12506= (NM_133432.3); c.37719T>C, p.Ala12573= (NM_133437.4).
Identifiers: ClinVar variation 195925 (VCV000195925.40), dbSNP rs371514555, ClinGen allele CA302863.
Genomic context (GRCh38, chr2:178,586,563, plus strand): 5'-ACACAGTTGTTCTTTGGCTTCATACACTCCTTCAGCTTCTCTTGGCAAACTGACTCCAAC[A>G]GCATTTCTGGCCGCTACTCTAAATTTGTATTTCTTTCCTTCCTTTAGGCCAGTGACAACA-3'
Protein context (NP_001254479.2, residues 21436-21456): KYKFRVAARN[Ala21446=]VGVSLPREAE